The following is an entry in ClinVar:

NM_004006.3(DMD):c.11027C>T (p.Pro3676Leu)

Gene: DMD (dystrophin; minus strand). Cytogenetic location: Xp21.2.
Variant type: single nucleotide variant.
Coding change: c.11027C>T on transcript NM_004006.3 (MANE Select); coding-DNA position 11027, C replaced by T.
Protein change: p.Pro3676Leu; replaces proline 3676 with leucine.
Molecular consequence: missense variant. On other transcripts: intron variant (5).
Genome position (GRCh38, 1-based): chrX:31,126,661, G>A on the plus strand (C>T on the coding strand, the complement: DMD is on the minus strand). VCF-style: chrX-31126661-G-A. GRCh37 (hg19) VCF-style: chrX-31144778-G-A.
Other names: c.11003C>T, p.Pro3668Leu (NM_000109.4); c.11015C>T, p.Pro3672Leu (NM_004009.3); c.10658C>T, p.Pro3553Leu (NM_004010.3); c.7004C>T, p.Pro2335Leu (NM_004011.4); c.6995C>T, p.Pro2332Leu (NM_004012.4); c.3647C>T, p.Pro1216Leu (NM_004013.3); c.2840C>T, p.Pro947Leu (NM_004014.3); c.1823C>T, p.Pro608Leu (NM_004015.3); and 7 more; short protein forms P2335L, P3676L, P2332L, P3553L, P3668L, P3672L, P1106L, P947L.
Identifiers: ClinVar variation 2061097 (VCV002061097.4), dbSNP rs1569297977, ClinGen allele CA412654988.

ClinVar aggregate classification (germline): Uncertain significance (1 of 4 stars; one submission).

Conditions:
Duchenne muscular dystrophy (DMD). Also called: MUSCULAR DYSTROPHY, PSEUDOHYPERTROPHIC PROGRESSIVE, DUCHENNE TYPE; Duchenne Muscular Dystrophy (DMD). Identifiers: Orphanet 98896, MedGen C0013264, MONDO:0010679, OMIM 310200.

Allele frequency attached by ClinVar (database versions not stated): gnomAD exomes below 0.00001.
gnomAD v4.1: 1 of 1,199,642 alleles (0.000083%); highest among the groups gnomAD compares: African/African-American, 0.0017%; no homozygotes.

Submission:

Labcorp Genetics (formerly Invitae), Labcorp
Classification: Uncertain significance for Duchenne muscular dystrophy. Last evaluated: 2022-06-07. Review status: criteria provided, single submitter. Criteria: Invitae Variant Classification Sherloc (09022015). Collection method: clinical testing. Allele origin: germline.
Comment: This sequence change replaces proline, which is neutral and non-polar, with leucine, which is neutral and non-polar, at codon 3676 of the DMD protein (p.Pro3676Leu). This variant is not present in population databases (gnomAD no frequency). This variant has not been reported in the literature in individuals affected with DMD-related conditions. Algorithms developed to predict the effect of missense changes on protein structure and function (SIFT, PolyPhen-2, Align-GVGD) all suggest that this variant is likely to be disruptive. In summary, the available evidence is currently insufficient to determine the role of this variant in disease. Therefore, it has been classified as a Variant of Uncertain Significance.